The following is an entry in ClinVar:

ClinVar aggregate classification (germline): Conflicting classifications of pathogenicity. Review status: criteria provided, conflicting classifications (1 of 4 stars). 9 submissions from 9 submitters: Likely pathogenic (1); Uncertain significance (7). 1 of the submissions does not count toward it. Last evaluated 2026-01-30.

Conditions:
Hereditary cancer-predisposing syndrome. Also called: Neoplastic Syndromes, Hereditary; Tumor predisposition; Hereditary Cancer Syndrome; Hereditary neoplastic syndrome. Identifiers: Orphanet 140162, MedGen C0027672, MeSH D009386, MONDO:0015356.
Familial cancer of breast. Also called: hereditary breast carcinoma; BREAST CANCER, FAMILIAL; Hereditary breast cancer. Identifiers: Orphanet 227535, MedGen C0346153, MONDO:0016419, OMIM 114480. Disease mechanism: loss of function.
Fanconi anemia complementation group J. Also called: BRIP1-Related Fanconi Anemia. Identifiers: Orphanet 84, MedGen C1836860, MONDO:0012187, OMIM 609054.
Malignant tumor of breast. Also called: Malignant breast neoplasm; Cancer breast. Identifiers: MedGen C0006142, MONDO:0007254. Disease mechanism: loss of function.

Allele frequency attached by ClinVar (database versions not stated): gnomAD exomes below 0.00001; gnomAD 0.00001; TOPMed 0.00002.
gnomAD v4.1: 9 of 1,613,418 alleles (0.00056%); highest among the groups gnomAD compares: South Asian, 0.0011%; no homozygotes.

Submissions (9):

Ambry Genetics
Classification: Uncertain significance for Hereditary cancer-predisposing syndrome. Last evaluated: 2026-01-30. Review status: criteria provided, single submitter. Criteria: Ambry Variant Classification Scheme 2023. Collection method: clinical testing. Allele origin: germline.
Comment: The p.H396R variant (also known as c.1187A>G), located in coding exon 8 of the BRIP1 gene, results from an A to G substitution at nucleotide position 1187. The histidine at codon 396 is replaced by arginine, an amino acid with highly similar properties. Based on internal structural analysis, this variant is mildly destabilizing to the local structure (Ambry internal data). In one study, this variant was seen in 0/3236 cases with invasive epithelial ovarian cancer and in 2/3431 controls (Ramus SJ et al. J Natl Cancer Inst, 2015 Nov;107). This amino acid position is highly conserved in available vertebrate species. In addition, this alteration is predicted to be deleterious by in silico analysis. Since supporting evidence is limited at this time, the clinical significance of this alteration remains unclear.

Labcorp Genetics (formerly Invitae), Labcorp
Classification: Likely pathogenic for Familial cancer of breast; Fanconi anemia complementation group J. Last evaluated: 2026-01-25. Review status: criteria provided, single submitter. Criteria: Invitae Variant Classification Sherloc (09022015). Collection method: clinical testing. Allele origin: germline.
Comment: This sequence change replaces histidine, which is basic and polar, with arginine, which is basic and polar, at codon 396 of the BRIP1 protein (p.His396Arg). This variant is present in population databases (no rsID available, gnomAD 0.0009%). This missense change has been observed in individual(s) with breast and/or ovarian cancer (PMID: 31822495, 32885271; internal data). It has also been observed to segregate with disease in related individuals. ClinVar contains an entry for this variant (Variation ID: 407864). Invitae Evidence Modeling of protein sequence and biophysical properties (such as structural, functional, and spatial information, amino acid conservation, physicochemical variation, residue mobility, and thermodynamic stability) indicates that this missense variant is expected to disrupt BRIP1 protein function with a positive predictive value of 95%. In summary, the currently available evidence indicates that the variant is pathogenic, but additional data are needed to prove that conclusively. Therefore, this variant has been classified as Likely Pathogenic.

Women's Health and Genetics/Laboratory Corporation of America, LabCorp
Classification: Uncertain significance. Last evaluated: 2025-07-21. Review status: criteria provided, single submitter. Criteria: LabCorp Variant Classification Summary - May 2015. Collection method: clinical testing. Allele origin: germline.
Comment: Variant summary: BRIP1 c.1187A>G (p.His396Arg) results in a non-conservative amino acid change in the encoded protein sequence. Algorithms developed to predict the effect of missense changes on protein structure and function all suggest that this variant is likely to be disruptive. The variant allele was found at a frequency of 4e-06 in 250710 control chromosomes. The available data on variant occurrences in the general population are insufficient to allow any conclusion about variant significance. c.1187A>G has been observed in individual(s) affected with Breast cancer (Lerner-Ellis_JCRCO_2021, internal data). These data do not allow any conclusion about variant significance. To our knowledge, no experimental evidence demonstrating an impact on protein function has been reported. The following publications have been ascertained in the context of this evaluation (PMID: 31822495, 32885271, 26315354). ClinVar contains an entry for this variant (Variation ID: 407864). Based on the evidence outlined above, the variant was classified as uncertain significance.

Blueprint Genetics
Classification: Uncertain significance. Last evaluated: 2024-11-12. Review status: criteria provided, single submitter. Criteria: ACMG Guidelines, 2015. Collection method: clinical testing. Allele origin: germline.

Quest Diagnostics Nichols Institute San Juan Capistrano
Classification: Uncertain significance. Last evaluated: 2024-06-19. Review status: criteria provided, single submitter. Criteria: Quest Diagnostics criteria. Collection method: clinical testing. Allele origin: unknown.
Comment: The frequency of this variant in the general population, 0.0000071 (2/282116 chromosomes (Genome Aggregation Database)), is uninformative in the assessment of its pathogenicity. Analysis of this variant using bioinformatics tools for the prediction of the effect of amino acid changes on protein structure and function yielded predictions that this variant is damaging. Based on the available information, we are unable to determine the clinical significance of this variant.

GeneDx
Classification: Uncertain significance. Last evaluated: 2024-04-04. Review status: criteria provided, single submitter. Criteria: GeneDx Variant Classification Process June 2021. Collection method: clinical testing. Allele origin: germline. Affected: yes.
Comment: Not observed at significant frequency in large population cohorts (gnomAD); In silico analysis supports that this missense variant has a deleterious effect on protein structure/function; This variant is associated with the following publications: (PMID: 11301010, 36922933, 26315354, 32885271)

Color Diagnostics, LLC DBA Color Health
Classification: Uncertain significance for Hereditary cancer-predisposing syndrome. Last evaluated: 2024-03-07. Review status: criteria provided, single submitter. Criteria: ACMG Guidelines, 2015. Collection method: clinical testing. Allele origin: germline.
Comment: This missense variant replaces histidine with arginine at codon 396 of the BRIP1 protein. Computational prediction suggests that this variant may have deleterious impact on protein structure and function. To our knowledge, functional studies have not been reported for this variant. This variant has been identified in 2/282116 chromosomes in the general population by the Genome Aggregation Database (gnomAD). The available evidence is insufficient to determine the role of this variant in disease conclusively. Therefore, this variant is classified as a Variant of Uncertain Significance.

Baylor Genetics
Classification: Uncertain significance for Familial cancer of breast. Last evaluated: 2024-02-26. Review status: criteria provided, single submitter. Criteria: ACMG Guidelines, 2015. Collection method: clinical testing. Allele origin: unknown.

Department of Pathology and Laboratory Medicine, Sinai Health System
Classification: Uncertain significance for Malignant tumor of breast. Review status: no assertion criteria provided. Collection method: clinical testing. Allele origin: unknown. Affected: yes. Study: The Canadian Open Genetics Repository (COGR). Not counted in ClinVar's aggregate classification.
Comment: The BRIP1 p.His396Arg variant was not identified in 6472 proband chromosomes from individuals or families with ovarian cancer, but was present in 2 of 6762 control chromosomes (frequency: 0.0003) from healthy individuals (Ramus 2015). The variant was also identified in dbSNP (ID: rs996493095) as "With Uncertain significance allele", in ClinVar (classified as uncertain significance by Invitae, GeneDx and Ambry Genetics). The variant was identified in control databases in 1 of 245492 chromosomes at a frequency of 0.000004 (Genome Aggregation Database Feb 27, 2017). The variant was observed in the European population in 1 of 111194 chromosomes (freq: 0.000009), while the variant was not observed in the African, Other, Latino, Ashkenazi Jewish, East Asian, Finnish, or South Asian populations. The p.His396 residue is conserved across mammals and other organisms, and four out of five computational analyses (PolyPhen-2, SIFT, AlignGVGD, BLOSUM, MutationTaster) suggest that the H variant may impact the protein; however, this information is not predictive enough to assume pathogenicity. The variant occurs outside of the splicing consensus sequence and in silico or computational prediction software programs (SpliceSiteFinder, MaxEntScan, NNSPLICE, GeneSplicer) do not predict a difference in splicing. In summary, based on the above information the clinical significance of this variant cannot be determined with certainty at this time. This variant is classified as a variant of uncertain significance.

Literature cited by the submitters: PubMed 26315354 (cited by 3 submitters); PubMed 32885271 (cited by 5 submitters); PubMed 31822495 (cited by Labcorp Genetics (formerly Invitae), Labcorp and Women's Health and Genetics/Laboratory Corporation of America, LabCorp).

NM_032043.3(BRIP1):c.1187A>G (p.His396Arg)

Gene: BRIP1 (BRCA1 interacting DNA helicase 1; minus strand). Cytogenetic location: 17q23.2.
Variant type: single nucleotide variant.
Coding change: c.1187A>G on transcript NM_032043.3 (MANE Select); coding-DNA position 1187, A replaced by G.
Protein change: p.His396Arg; replaces histidine 396 with arginine.
Molecular consequence: missense variant.
Genome position (GRCh38, 1-based): chr17:61,799,253, T>C on the plus strand (A>G on the coding strand, the complement: BRIP1 is on the minus strand). VCF-style: chr17-61799253-T-C. GRCh37 (hg19) VCF-style: chr17-59876614-T-C.
Other names: short protein forms H396R.
Identifiers: ClinVar variation 407864 (VCV000407864.34), dbSNP rs996493095, ClinGen allele CA16615514.
Genomic context (GRCh38, chr17:61,799,253, plus strand): 5'-CGAAGCTGAACTTCTGTTACACTGTAACTTGCTGATTCCCGAGCACAGTCCTCGATGTTA[T>C]GAGCTTCATCTAAAATGACAACCTGTTCTTTCAGATTTAAATCCATCTATAAGATAAAAG-3'
Protein context (NP_114432.2, residues 386-406): KEQVVILDEA[His396Arg]NIEDCARESA